The following is an entry in ClinVar:

ClinVar aggregate classification (germline): Uncertain significance (1 of 4 stars; one submission).

Submission:

Labcorp Genetics (formerly Invitae), Labcorp
Classification: Uncertain significance. Last evaluated: 2023-01-09. Review status: criteria provided, single submitter. Criteria: Invitae Variant Classification Sherloc (09022015). Collection method: clinical testing. Allele origin: germline.
Comment: In summary, the available evidence is currently insufficient to determine the role of this variant in disease. Therefore, it has been classified as a Variant of Uncertain Significance. This variant has not been reported in the literature in individuals affected with SAMD9L-related conditions. This variant is not present in population databases (gnomAD no frequency). This variant, c.4086_4094dup, results in the insertion of 3 amino acid(s) of the SAMD9L protein (p.Glu1363_Ala1365dup), but otherwise preserves the integrity of the reading frame.

NM_152703.5(SAMD9L):c.4086_4094dup (p.Ala1365_Phe1366insGluTyrAla)

Gene: SAMD9L (sterile alpha motif domain containing 9 like; minus strand). Cytogenetic location: 7q21.2.
Variant type: Duplication.
Coding change: c.4086_4094dup on transcript NM_152703.5 (MANE Select); coding-DNA positions 4086 to 4094, 9 bases duplicated (TGAATATGC; older notation c.4086_4094dupTGAATATGC).
Protein change: p.Ala1365_Phe1366insGluTyrAla.
Molecular consequence: inframe insertion.
Genome position (GRCh38, 1-based): chr7:93,131,878-93,131,886, GCATATTCA duplicated on the plus strand (TGAATATGC on the coding strand, the reverse complement: SAMD9L is on the minus strand). VCF-style (leftmost placement, unchanged base first): chr7-93131877-G-GGCATATTCA. GRCh37 (hg19) VCF-style: chr7-92761190-G-GGCATATTCA.
Other names: c.4086_4094dup, p.Ala1365_Phe1366insGluTyrAla (NM_001303496.3, NM_001303497.3, NM_001303498.3 and 5 more transcripts).
Identifiers: ClinVar variation 2855577 (VCV002855577.3), dbSNP rs2535406265, ClinGen allele CA2739279658.